The following is an entry in ClinVar:

NM_022787.4(NMNAT1):c.191A>G (p.Tyr64Cys)

Gene: NMNAT1 (nicotinamide nucleotide adenylyltransferase 1; plus strand). Cytogenetic location: 1p36.22.
Variant type: single nucleotide variant.
Coding change: c.191A>G on transcript NM_022787.4 (MANE Select); coding-DNA position 191, A replaced by G.
Protein change: p.Tyr64Cys; replaces tyrosine 64 with cysteine.
Molecular consequence: missense variant.
Genome position (GRCh38, 1-based): chr1:9,975,667, A>G. VCF-style: chr1-9975667-A-G. GRCh37 (hg19) VCF-style: chr1-10035725-A-G.
Other names: c.191A>G (NM_022787.3); c.191A>G, p.Tyr64Cys (NM_001297778.1, NM_001297779.2); short protein forms Y64C.
Identifiers: ClinVar variation 2164506 (VCV002164506.2), dbSNP rs1174982889, ClinGen allele CA338684490.
Genomic context (GRCh38, chr1:9,975,667, plus strand): 5'-TCAAAGGCATCATCTCTCCTGTTGGTGATGCCTACAAGAAGAAAGGACTCATTCCTGCCT[A>G]TCACCGGGTCATCATGGCAGAACTTGCTACCAAGAATTCTAAATGGGTGGAAGTTGATAC-3'
Protein context (NP_073624.2, residues 54-74): AYKKKGLIPA[Tyr64Cys]HRVIMAELAT

ClinVar aggregate classification (germline): Uncertain significance. Review status: criteria provided, multiple submitters, no conflicts (2 of 4 stars). 2 submissions from 2 submitters: Uncertain significance (2). Last evaluated 2025-11-26.

Conditions:
Inborn genetic diseases. Identifiers: MedGen C0950123, MeSH D030342.
Leber congenital amaurosis 9 (LCA9). Also called: LCA9 Leber Congenital Amaurosis; LCA 9; Amaurosis congenita of Leber, type 9. Identifiers: Orphanet 65, MedGen C1837873, MONDO:0012056, OMIM 608553.

Allele frequency attached by ClinVar (database versions not stated): gnomAD exomes below 0.00001; TOPMed below 0.00001; gnomAD 0.00001.
gnomAD v4.1: 3 of 1,613,916 alleles (0.00019%); highest among the groups gnomAD compares: Non-Finnish European, 0.00025%; no homozygotes.

Submissions (2):

Ambry Genetics
Classification: Uncertain significance for Inborn genetic diseases. Last evaluated: 2025-11-26. Review status: criteria provided, single submitter. Criteria: Ambry Variant Classification Scheme 2023. Collection method: clinical testing. Allele origin: germline.

Labcorp Genetics (formerly Invitae), Labcorp
Classification: Uncertain significance for Leber congenital amaurosis 9. Last evaluated: 2022-08-12. Review status: criteria provided, single submitter. Criteria: Invitae Variant Classification Sherloc (09022015). Collection method: clinical testing. Allele origin: germline.
Comment: This sequence change replaces tyrosine, which is neutral and polar, with cysteine, which is neutral and slightly polar, at codon 64 of the NMNAT1 protein (p.Tyr64Cys). This variant is not present in population databases (gnomAD no frequency). This variant has not been reported in the literature in individuals affected with NMNAT1-related conditions. Algorithms developed to predict the effect of missense changes on protein structure and function output the following: SIFT: "Tolerated"; PolyPhen-2: "Benign"; Align-GVGD: "Class C0". The cysteine amino acid residue is found in multiple mammalian species, which suggests that this missense change does not adversely affect protein function. In summary, the available evidence is currently insufficient to determine the role of this variant in disease. Therefore, it has been classified as a Variant of Uncertain Significance.